The following is an entry in ClinVar:

ClinVar aggregate classification (germline): Benign/Likely benign. Review status: criteria provided, multiple submitters, no conflicts (2 of 4 stars). 8 submissions from 7 submitters: Benign (5); Likely benign (3). Last evaluated 2026-02-01.

Conditions:
Connective tissue disorder. Also called: Connective tissue disease. Identifiers: MedGen C0009782, MONDO:0003900.
Lethal Kniest-like syndrome (DDSH). Also called: Dyssegmental Dysplasia. Identifiers: Orphanet 1865, MedGen C1857100, MONDO:0009140, OMIM 224410.
Schwartz-Jampel syndrome. Also called: Myotonic myopathy dwarfism chondrodystrophy and ocular and facial abnormalities. Identifiers: Orphanet 800, MedGen C0036391, MONDO:0009717.

Allele frequency attached by ClinVar (database versions not stated): gnomAD exomes 0.00139 and 0.00341; ExAC 0.00409; gnomAD 0.01353 and 0.01448; 1000 Genomes Project 0.01418; TOPMed 0.01424; 1000 Genomes Project 30x 0.01483; ESP Exome Variant Server 0.01492.
gnomAD v4.1: 4,213 of 1,613,960 alleles (0.26%); highest among the groups gnomAD compares: African/African-American, 4.7%; 101 homozygotes.

Submissions (8):

Labcorp Genetics (formerly Invitae), Labcorp
Classification: Benign. Last evaluated: 2026-02-01. Review status: criteria provided, single submitter. Criteria: Invitae Variant Classification Sherloc (09022015). Collection method: clinical testing. Allele origin: germline.

GeneDx
Classification: Likely benign. Last evaluated: 2025-07-14. Review status: criteria provided, single submitter. Criteria: GeneDx Variant Classification Process June 2021. Collection method: clinical testing. Allele origin: germline. Affected: yes.
Comment: See Variant Classification Assertion Criteria.

ARUP Laboratories, Molecular Genetics and Genomics, ARUP Laboratories
Classification: Benign. Last evaluated: 2025-06-20. Review status: criteria provided, single submitter. Criteria: ARUP Molecular Germline Variant Investigation Process 2024. Collection method: clinical testing. Allele origin: germline.

Athena Diagnostics
Classification: Benign. Last evaluated: 2025-01-03. Review status: criteria provided, single submitter. Criteria: Athena Diagnostics Criteria. Collection method: clinical testing. Allele origin: unknown.
Comment: The frequency of this variant in the general population is higher than would generally be expected for pathogenic variants in this gene.

Genome Diagnostics Laboratory, The Hospital for Sick Children
Classification: Likely benign for Connective tissue disorder. Last evaluated: 2018-07-01. Review status: criteria provided, single submitter. Criteria: ACMG Guidelines, 2015. Collection method: clinical testing. Allele origin: germline.

Illumina Laboratory Services, Illumina
Classification: Benign for Lethal Kniest-like syndrome. Last evaluated: 2018-01-13. Review status: criteria provided, single submitter. Criteria: ICSL Variant Classification Criteria 13 December 2019. Collection method: clinical testing. Allele origin: germline.
Comment: This variant was observed in the ICSL laboratory as part of a predisposition screen in an ostensibly healthy population. It had not been previously curated by ICSL or reported in the Human Gene Mutation Database (HGMD: prior to June 1st, 2018), and was therefore a candidate for classification through an automated scoring system. Utilizing variant allele frequency, disease prevalence and penetrance estimates, and inheritance mode, an automated score was calculated to assess if this variant is too frequent to cause the disease. Based on the score and internal cut-off values, a variant classified as benign is not then subjected to further curation. The score for this variant resulted in a classification of benign for this disease.

Illumina Laboratory Services, Illumina
Classification: Benign for Schwartz-Jampel syndrome type 1. Last evaluated: 2018-01-13. Review status: criteria provided, single submitter. Criteria: ICSL Variant Classification Criteria 13 December 2019. Collection method: clinical testing. Allele origin: germline.
Comment: the same text as in the submission from Illumina Laboratory Services, Illumina above.

Breakthrough Genomics
Classification: Likely benign. Review status: criteria provided, single submitter. Criteria: ACMG Guidelines, 2015. Collection method: not provided. Allele origin: germline. Inheritance: Autosomal recessive inheritance. Affected: yes.

Literature cited by the submitters: PubMed 38347603 (cited by Athena Diagnostics); PubMed 24367280 (cited by Athena Diagnostics); PubMed 38499531 (cited by Athena Diagnostics).

NM_005529.7(HSPG2):c.7532C>T (p.Thr2511Ile)

Gene: HSPG2 (heparan sulfate proteoglycan 2; minus strand). Cytogenetic location: 1p36.12.
Variant type: single nucleotide variant.
Coding change: c.7532C>T on transcript NM_005529.7 (MANE Select); coding-DNA position 7532, C replaced by T.
Protein change: p.Thr2511Ile; replaces threonine 2511 with isoleucine.
Molecular consequence: missense variant.
Genome position (GRCh38, 1-based): chr1:21,848,946, G>A on the plus strand (C>T on the coding strand, the complement: HSPG2 is on the minus strand). VCF-style: chr1-21848946-G-A. GRCh37 (hg19) VCF-style: chr1-22175439-G-A.
Other names: c.7535C>T, p.Thr2512Ile (NM_001291860.2); short protein forms T2511I, T2512I.
Identifiers: ClinVar variation 295789 (VCV000295789.37), dbSNP rs62642518, ClinGen allele CA671143.
Genomic context (GRCh38, chr1:21,848,946, plus strand): 5'-CACTCACAGTGGGAGCCACTAAGGCGCTGCTGGATGGTGACAAGGACTGAGGCTTCCTGG[G>A]TACCTGAGCTGCCGACCACACGGCACACGTACTCCCCTGAATCAGCTGGGGTCACCTGGA-3'
Protein context (NP_005520.4, residues 2501-2521): YVCRVVGSSG[Thr2511Ile]QEASVLVTIQ